The following is an entry in ClinVar:

NM_016252.4(BIRC6):c.10807C>G (p.Leu3603Val)

Gene: BIRC6 (baculoviral IAP repeat containing 6; plus strand). Cytogenetic location: 2p22.3.
Variant type: single nucleotide variant.
Coding change: c.10807C>G on transcript NM_016252.4 (MANE Select); coding-DNA position 10807, C replaced by G.
Protein change: p.Leu3603Val; replaces leucine 3603 with valine.
Molecular consequence: missense variant.
Genome position (GRCh38, 1-based): chr2:32,515,228, C>G. VCF-style: chr2-32515228-C-G. GRCh37 (hg19) VCF-style: chr2-32740295-C-G.
Other names: c.10804C>G, p.Leu3602Val (NM_001378125.1); short protein forms L3603V, L3602V.
Identifiers: ClinVar variation 782737 (VCV000782737.7), dbSNP rs61754200, ClinGen allele CA1604868.
Genomic context (GRCh38, chr2:32,515,228, plus strand): 5'-AGCAAAAAGCAGGATCTTAGTTCATCTTTAACAGATGACTCTAAAAATGCACAAGCACCT[C>G]TCGCATTAACTGAATCACATTTGGCTACCCTTGCTTCCTCTTCTCAATCTCCTGAAGCTA-3'
Protein context (NP_057336.3, residues 3593-3613): TDDSKNAQAP[Leu3603Val]ALTESHLATL

ClinVar aggregate classification (germline): Benign. Review status: criteria provided, multiple submitters, no conflicts (2 of 4 stars). 3 submissions from 3 submitters: Benign (2). 1 of the submissions does not count toward it. Last evaluated 2019-12-31.

Conditions:
BIRC6-related disorder. Also called: BIRC6-related condition.

Allele frequency attached by ClinVar (database versions not stated): 1000 Genomes Project 30x 0.00078; TOPMed 0.00548; 1000 Genomes Project 0.00100; gnomAD 0.00597 and 0.00575; ESP Exome Variant Server 0.00538; gnomAD exomes 0.00612; ExAC 0.00642.
gnomAD v4.1: 12,899 of 1,613,852 alleles (0.8%); highest among the groups gnomAD compares: Non-Finnish European, 0.98%; 73 homozygotes.

Submissions (3):

Labcorp Genetics (formerly Invitae), Labcorp
Classification: Benign. Last evaluated: 2019-12-31. Review status: criteria provided, single submitter. Criteria: Invitae Variant Classification Sherloc (09022015). Collection method: clinical testing. Allele origin: germline.

Breakthrough Genomics
Classification: Benign. Review status: criteria provided, single submitter. Criteria: ACMG Guidelines, 2015. Collection method: not provided. Allele origin: germline. Inheritance: Unknown mechanism. Affected: yes.

PreventionGenetics, part of Exact Sciences
Classification: Benign for BIRC6-related condition. Last evaluated: 2019-07-10. Review status: no assertion criteria provided. Collection method: clinical testing. Allele origin: germline. Not counted in ClinVar's aggregate classification.
Comment: This variant is classified as benign based on ACMG/AMP sequence variant interpretation guidelines (Richards et al. 2015 PMID: 25741868, with internal and published modifications).